The following is an entry in ClinVar:

NM_001035.3(RYR2):c.940C>T (p.Leu314Phe)

Gene: RYR2 (ryanodine receptor 2; plus strand). Cytogenetic location: 1q43.
Variant type: single nucleotide variant.
Coding change: c.940C>T on transcript NM_001035.3 (MANE Select); coding-DNA position 940, C replaced by T.
Protein change: p.Leu314Phe; replaces leucine 314 with phenylalanine.
Molecular consequence: missense variant.
Genome position (GRCh38, 1-based): chr1:237,423,183, C>T. VCF-style: chr1-237423183-C-T. GRCh37 (hg19) VCF-style: chr1-237586483-C-T.
Other names: c.940C>T (NM_001035.2); short protein forms L314F.
Identifiers: ClinVar variation 4757556 (VCV004757556.2).

ClinVar aggregate classification (germline): Uncertain significance. Review status: criteria provided, multiple submitters, no conflicts (2 of 4 stars). 2 submissions from 2 submitters: Uncertain significance (2). Last evaluated 2026-02-14.

Conditions:
Cardiomyopathy (CMYO). Also called: Cardiomyopathies. Identifiers: Orphanet 167848, MedGen C0878544, MONDO:0004994, HP:0001638. Inheritance: Various modes of inheritance.

Submissions (2):

GeneDx
Classification: Uncertain significance. Last evaluated: 2026-02-14. Review status: criteria provided, single submitter. Criteria: GeneDx Variant Classification Process June 2021. Collection method: clinical testing. Allele origin: germline.
Comment: Not observed at significant frequency in large population cohorts (gnomAD); In silico analysis supports that this missense variant has a deleterious effect on protein structure/function; Has not been previously published as pathogenic or benign to our knowledge; Located in one of the three hot-spot regions of the RYR2 gene, where the majority of pathogenic missense variants occur (PMID: 19926015); This variant is associated with the following publications: (PMID: 19926015)

Color Diagnostics, LLC DBA Color Health
Classification: Uncertain significance for Cardiomyopathy. Last evaluated: 2025-07-02. Review status: criteria provided, single submitter. Criteria: ACMG Guidelines, 2015. Collection method: clinical testing. Allele origin: germline.
Comment: This missense variant replaces leucine with phenylalanine at codon 314 of the RYR2 protein. Computational prediction is inconclusive regarding the impact of this variant on protein structure and function. To our knowledge, functional studies have not been reported for this variant. This variant has not been reported in individuals affected with RYR2-related disorders in the literature. This variant has been identified in 1/248772 chromosomes in the general population by the Genome Aggregation Database (gnomAD). The available evidence is insufficient to determine the role of this variant in disease conclusively. Therefore, this variant is classified as a Variant of Uncertain Significance.